The following is an entry in ClinVar:

NM_001371596.2(MFSD8):c.199-1G>A

Gene: MFSD8 (major facilitator superfamily domain containing 8; minus strand). Cytogenetic location: 4q28.2.
Variant type: single nucleotide variant.
Coding change: c.199-1G>A on transcript NM_001371596.2 (MANE Select); the canonical splice acceptor site of the intron before coding-DNA position 199, G replaced by A.
Molecular consequence: splice acceptor variant.
Genome position (GRCh38, 1-based): chr4:127,943,993, C>T on the plus strand (G>A on the coding strand, the complement: MFSD8 is on the minus strand). VCF-style: chr4-127943993-C-T. GRCh37 (hg19) VCF-style: chr4-128865148-C-T.
Other names: c.64-1G>A (NM_001371595.1, NM_001410765.1, NM_001371590.2); c.199-1G>A (NM_152778.4, NM_001363521.3, NM_001410766.1 and 5 more transcripts).
Identifiers: ClinVar variation 2015907 (VCV002015907.4), dbSNP rs1449062348, ClinGen allele CA358177211.

ClinVar aggregate classification (germline): Likely pathogenic (1 of 4 stars; one submission).

Conditions:
Neuronal ceroid lipofuscinosis 7 (CLN7). Also called: MFSD8-Related Neuronal Ceroid-Lipofuscinosis. Identifiers: Orphanet 168491, Orphanet 228366, MedGen C1838571, MONDO:0012588, OMIM 610951.

Allele frequency attached by ClinVar (database versions not stated): gnomAD exomes below 0.00001.
gnomAD v4.1: 1 of 1,614,142 alleles (0.000062%); highest among the groups gnomAD compares: Non-Finnish European, 0.000085%; no homozygotes.

Submission:

Labcorp Genetics (formerly Invitae), Labcorp
Classification: Likely pathogenic for Neuronal ceroid lipofuscinosis 7. Last evaluated: 2022-07-11. Review status: criteria provided, single submitter. Criteria: Invitae Variant Classification Sherloc (09022015). Collection method: clinical testing. Allele origin: germline.
Comment: In summary, the currently available evidence indicates that the variant is pathogenic, but additional data are needed to prove that conclusively. Therefore, this variant has been classified as Likely Pathogenic. Algorithms developed to predict the effect of sequence changes on RNA splicing suggest that this variant may disrupt the consensus splice site. This variant has not been reported in the literature in individuals affected with MFSD8-related conditions. This variant is present in population databases (no rsID available, gnomAD 0.0009%). This sequence change affects an acceptor splice site in intron 4 of the MFSD8 gene. It is expected to disrupt RNA splicing. Variants that disrupt the donor or acceptor splice site typically lead to a loss of protein function (PMID: 16199547), and loss-of-function variants in MFSD8 are known to be pathogenic (PMID: 19177532, 25227500, 28586915).

Literature cited by the submitters: PubMed 16199547; PubMed 19177532; PubMed 25227500; PubMed 28586915.